The following is an entry in ClinVar:

NM_006662.3(SRCAP):c.1103G>C (p.Gly368Ala)

Gene: SRCAP (Snf2 related CREBBP activator protein; plus strand). Cytogenetic location: 16p11.2.
Variant type: single nucleotide variant.
Coding change: c.1103G>C on transcript NM_006662.3 (MANE Select); coding-DNA position 1103, G replaced by C.
Protein change: p.Gly368Ala; replaces glycine 368 with alanine.
Molecular consequence: missense variant.
Genome position (GRCh38, 1-based): chr16:30,710,097, G>C. VCF-style: chr16-30710097-G-C. GRCh37 (hg19) VCF-style: chr16-30721418-G-C.
Other names: short protein forms G368A.
Identifiers: ClinVar variation 3580069 (VCV003580069.3).

ClinVar aggregate classification (germline): Uncertain significance. Review status: criteria provided, multiple submitters, no conflicts (2 of 4 stars). 2 submissions from 2 submitters: Uncertain significance (2). Last evaluated 2024-09-06.

Conditions:
Developmental delay, hypotonia, musculoskeletal defects, and behavioral abnormalities. Identifiers: MedGen C5562012, MONDO:0859202, OMIM 619595.
Floating-Harbor syndrome (FLHS). Also called: SRCAP-Related Floating-Harbor Syndrome; Short stature with delayed bone age, expressive language delay, a triangular face with a prominent nose and deep-set eyes; Pelletier-Leisti syndrome. Identifiers: Orphanet 2044, MedGen C0729582, MONDO:0007621, OMIM 136140.

gnomAD v4.1: 9 of 1,613,974 alleles (0.00056%); highest among the groups gnomAD compares: Admixed American, 0.013%; no homozygotes.

Submissions (2):

Labcorp Genetics (formerly Invitae), Labcorp
Classification: Uncertain significance. Last evaluated: 2024-09-06. Review status: criteria provided, single submitter. Criteria: Invitae Variant Classification Sherloc (09022015). Collection method: clinical testing. Allele origin: germline.
Comment: This sequence change replaces glycine, which is neutral and non-polar, with alanine, which is neutral and non-polar, at codon 368 of the SRCAP protein (p.Gly368Ala). This variant is present in population databases (rs746519724, gnomAD 0.009%). This variant has not been reported in the literature in individuals affected with SRCAP-related conditions. Invitae Evidence Modeling of protein sequence and biophysical properties (such as structural, functional, and spatial information, amino acid conservation, physicochemical variation, residue mobility, and thermodynamic stability) indicates that this missense variant is not expected to disrupt SRCAP protein function with a negative predictive value of 80%. In summary, the available evidence is currently insufficient to determine the role of this variant in disease. Therefore, it has been classified as a Variant of Uncertain Significance.

Fulgent Genetics
Classification: Uncertain significance for Floating-Harbor syndrome; Developmental delay, hypotonia, musculoskeletal defects, and behavioral abnormalities. Last evaluated: 2024-02-01. Review status: criteria provided, single submitter. Criteria: ACMG Guidelines, 2015. Collection method: clinical testing. Allele origin: germline.